The following is an entry in ClinVar:

NM_005751.5(AKAP9):c.1074A>T (p.Leu358Phe)

Gene: AKAP9 (A-kinase anchoring protein 9; plus strand). Cytogenetic location: 7q21.2.
Variant type: single nucleotide variant.
Coding change: c.1074A>T on transcript NM_005751.5 (MANE Select); coding-DNA position 1074, A replaced by T.
Protein change: p.Leu358Phe; replaces leucine 358 with phenylalanine.
Molecular consequence: missense variant.
Genome position (GRCh38, 1-based): chr7:92,000,991, A>T. VCF-style: chr7-92000991-A-T. GRCh37 (hg19) VCF-style: chr7-91630305-A-T.
Other names: c.1074A>T, p.Leu358Phe (NM_147185.3); short protein forms L358F.
Identifiers: ClinVar variation 1180225 (VCV001180225.3), dbSNP rs1346719880, ClinGen allele CA368120947.

ClinVar aggregate classification (germline): Conflicting classifications of pathogenicity. Review status: criteria provided, conflicting classifications (1 of 4 stars). 2 submissions from 2 submitters: Uncertain significance (1); Likely benign (1). Last evaluated 2025-01-21.

Conditions:
Cardiovascular phenotype. Identifiers: MedGen CN230736.

Allele frequency attached by ClinVar (database versions not stated): gnomAD exomes below 0.00001 and 0.00001; gnomAD 0.00001; TOPMed 0.00002.
gnomAD v4.1: 5 of 1,544,216 alleles (0.00032%); highest among the groups gnomAD compares: Non-Finnish European, 0.00044%; no homozygotes.

Submissions (2):

Ambry Genetics
Classification: Likely benign for Cardiovascular phenotype. Last evaluated: 2025-01-21. Review status: criteria provided, single submitter. Criteria: Ambry Variant Classification Scheme 2023. Collection method: clinical testing. Allele origin: germline.

GeneDx
Classification: Uncertain significance. Last evaluated: 2020-09-22. Review status: criteria provided, single submitter. Criteria: GeneDx Variant Classification Process June 2021. Collection method: clinical testing. Allele origin: germline. Affected: yes.
Comment: Not observed at a significant frequency in large population cohorts (Lek et al., 2016); In silico analysis, which includes protein predictors and evolutionary conservation, supports that this variant does not alter protein structure/function; Has not been previously published as pathogenic or benign to our knowledge